The following is an entry in ClinVar:

ClinVar aggregate classification (germline): Likely benign. Review status: criteria provided, multiple submitters, no conflicts (2 of 4 stars). 2 submissions from 2 submitters: Likely benign (2). Last evaluated 2026-05-01.

gnomAD v4.1: 2 of 1,614,054 alleles (0.00012%); highest among the groups gnomAD compares: Admixed American, 0.0033%; no homozygotes.

Submissions (2):

CeGaT Center for Human Genetics Tuebingen
Classification: Likely benign. Last evaluated: 2026-05-01. Review status: criteria provided, single submitter. Criteria: CeGaT Center For Human Genetics Tuebingen Variant Classification Criteria Version 2. Collection method: clinical testing. Allele origin: germline. Affected: yes. Observed: 1 variant allele.
Comment: HTRA2: BP4, BP7

Labcorp Genetics (formerly Invitae), Labcorp
Classification: Likely benign. Last evaluated: 2024-10-09. Review status: criteria provided, single submitter. Criteria: Invitae Variant Classification Sherloc (09022015). Collection method: clinical testing. Allele origin: germline.

NM_013247.5(HTRA2):c.1092G>A (p.Val364=)

Gene: HTRA2 (HtrA serine peptidase 2; plus strand). Cytogenetic location: 2p13.1.
Variant type: single nucleotide variant.
Coding change: c.1092G>A on transcript NM_013247.5 (MANE Select); coding-DNA position 1092, G replaced by A.
Protein change: p.Val364=; no amino-acid change (valine 364 retained).
Molecular consequence: synonymous variant. On other transcripts: non-coding transcript variant (4).
Genome position (GRCh38, 1-based): chr2:74,531,902, G>A. VCF-style: chr2-74531902-G-A. GRCh37 (hg19) VCF-style: chr2-74759029-G-A.
Other names: c.1122G>A, p.Val374= (NM_001321727.1); c.1092G>A, p.Val364= (NM_001321728.1); c.897G>A, p.Val299= (NM_145074.2).
Identifiers: ClinVar variation 3700848 (VCV003700848.4).